The following is an entry in ClinVar:

ClinVar aggregate classification (germline): Uncertain significance (1 of 4 stars; one submission).

Conditions:
Neurofibromatosis, type 1 (NF1). Also called: VON RECKLINGHAUSEN DISEASE; NEUROFIBROMATOSIS, TYPE I, SOMATIC; Peripheral type neurofibromatosis; Neurofibromatosis, type I. Identifiers: Orphanet 636, MedGen C0027831, MONDO:0018975, OMIM 162200. Disease mechanism: loss of function.

Submission:

Labcorp Genetics (formerly Invitae), Labcorp
Classification: Uncertain significance for Neurofibromatosis, type 1. Last evaluated: 2018-08-04. Review status: criteria provided, single submitter. Criteria: Invitae Variant Classification Sherloc (09022015). Collection method: clinical testing. Allele origin: germline.
Comment: This variant, c.129_131delAAT, results in the deletion of 1 amino acid of the NF1 protein (p.Ile44del), but otherwise preserves the integrity of the reading frame. This variant is not present in population databases (ExAC no frequency). This variant has not been reported in the literature in individuals with NF1-related disease. Experimental studies and prediction algorithms are not available for this variant, and the functional significance of the deleted amino acid is currently unknown. In summary, the available evidence is currently insufficient to determine the role of this variant in disease. Therefore, it has been classified as a Variant of Uncertain Significance.

NM_001042492.3(NF1):c.129_131del (p.Ile44del)

Gene: NF1 (neurofibromin 1; plus strand). Cytogenetic location: 17q11.2.
Variant type: Deletion.
Coding change: c.129_131del on transcript NM_001042492.3 (MANE Select); coding-DNA positions 129 to 131, 3 bases deleted (AAT; older notation c.129_131delAAT).
Protein change: p.Ile44del; deletes isoleucine 44.
Molecular consequence: inframe deletion. On other transcripts: inframe indel (1).
Genome position (GRCh38, 1-based): chr17:31,156,051-31,156,053, AAT deleted; deleting any 3 consecutive bases within chr17:31,156,050-31,156,053 gives the same sequence; the c. name uses the placement nearest the transcript's 3' end. VCF-style (leftmost placement, unchanged base first): chr17-31156049-CTAA-C. GRCh37 (hg19) VCF-style: chr17-29483067-CTAA-C.
Other names: c.129_131delAAT (NM_000267.3); c.129_131delAAT, p.Ile44del (NM_000267.4); c.129_131del, p.Ile44del (NM_001128147.3); short protein forms I44del.
Identifiers: ClinVar variation 661709 (VCV000661709.5), dbSNP rs1597625973, ClinGen allele CA915949693.